The following is an entry in ClinVar:

ClinVar aggregate classification (germline): Likely benign. Review status: criteria provided, multiple submitters, no conflicts (2 of 4 stars). 3 submissions from 3 submitters: Likely benign (3). Last evaluated 2026-01-01.

Conditions:
Inborn genetic diseases. Identifiers: MedGen C0950123, MeSH D030342.
Fanconi anemia (FA). Also called: Fanconi's anemia. Identifiers: Orphanet 84, MedGen C0015625, MeSH D005199, MONDO:0019391.

Allele frequency attached by ClinVar (database versions not stated): gnomAD 0.00002 and 0.00003; ExAC 0.00003; gnomAD exomes 0.00003; TOPMed 0.00004; 1000 Genomes Project 30x 0.00016; 1000 Genomes Project 0.00020.
gnomAD v4.1: 38 of 1,613,962 alleles (0.0024%); highest among the groups gnomAD compares: Admixed American, 0.01%; no homozygotes.

Submissions (3):

CeGaT Center for Human Genetics Tuebingen
Classification: Likely benign. Last evaluated: 2026-01-01. Review status: criteria provided, single submitter. Criteria: CeGaT Center For Human Genetics Tuebingen Variant Classification Criteria Version 2. Collection method: clinical testing. Allele origin: germline. Affected: yes. Observed: 4 variant alleles.
Comment: SLX4: BP4, BP7

Labcorp Genetics (formerly Invitae), Labcorp
Classification: Likely benign for Fanconi anemia. Last evaluated: 2025-05-22. Review status: criteria provided, single submitter. Criteria: Invitae Variant Classification Sherloc (09022015). Collection method: clinical testing. Allele origin: germline.

Ambry Genetics
Classification: Likely benign for Inborn genetic diseases. Last evaluated: 2024-12-13. Review status: criteria provided, single submitter. Criteria: Ambry Variant Classification Scheme 2023. Collection method: clinical testing. Allele origin: germline.

NM_032444.4(SLX4):c.3669G>A (p.Pro1223=)

Gene: SLX4 (SLX4 structure-specific endonuclease subunit; minus strand). Cytogenetic location: 16p13.3.
Variant type: single nucleotide variant.
Coding change: c.3669G>A on transcript NM_032444.4 (MANE Select); coding-DNA position 3669, G replaced by A.
Protein change: p.Pro1223=; no amino-acid change (proline 1223 retained).
Molecular consequence: synonymous variant.
Genome position (GRCh38, 1-based): chr16:3,589,969, C>T on the plus strand (G>A on the coding strand, the complement: SLX4 is on the minus strand). VCF-style: chr16-3589969-C-T. GRCh37 (hg19) VCF-style: chr16-3639970-C-T.
Other names: c.3669G>A (NM_032444.2).
Identifiers: ClinVar variation 1127489 (VCV001127489.27), dbSNP rs200407926, ClinGen allele CA7865873.